The following is an entry in ClinVar:

NM_004423.4(DVL3):c.522T>G (p.Asp174Glu)

Gene: DVL3 (dishevelled segment polarity protein 3; plus strand). Cytogenetic location: 3q27.1.
Variant type: single nucleotide variant.
Coding change: c.522T>G on transcript NM_004423.4 (MANE Select); coding-DNA position 522, T replaced by G.
Protein change: p.Asp174Glu; replaces aspartic acid 174 with glutamic acid.
Molecular consequence: missense variant.
Genome position (GRCh38, 1-based): chr3:184,164,854, T>G. VCF-style: chr3-184164854-T-G. GRCh37 (hg19) VCF-style: chr3-183882642-T-G.
Other names: short protein forms D174E.
Identifiers: ClinVar variation 3692408 (VCV003692408.2).
Genomic context (GRCh38, chr3:184,164,854, plus strand): 5'-AGCAACCCGGCTAAATGGAACTGCGAAGGGGGAACGGCGGCGAGAACCAGGGGGTTATGA[T>G]AGCTCATCCACCCTTATGAGCAGTGAGCTGGAGACCACCAGCTTCTTTGACTCAGATGAG-3'
Protein context (NP_004414.3, residues 164-184): GERRREPGGY[Asp174Glu]SSSTLMSSEL

ClinVar aggregate classification (germline): Uncertain significance (1 of 4 stars; one submission).

Submission:

Labcorp Genetics (formerly Invitae), Labcorp
Classification: Uncertain significance. Last evaluated: 2024-10-12. Review status: criteria provided, single submitter. Criteria: Invitae Variant Classification Sherloc (09022015). Collection method: clinical testing. Allele origin: germline.
Comment: This sequence change replaces aspartic acid, which is acidic and polar, with glutamic acid, which is acidic and polar, at codon 174 of the DVL3 protein (p.Asp174Glu). This variant is not present in population databases (gnomAD no frequency). This variant has not been reported in the literature in individuals affected with DVL3-related conditions. Invitae Evidence Modeling of protein sequence and biophysical properties (such as structural, functional, and spatial information, amino acid conservation, physicochemical variation, residue mobility, and thermodynamic stability) indicates that this missense variant is not expected to disrupt DVL3 protein function with a negative predictive value of 80%. In summary, the available evidence is currently insufficient to determine the role of this variant in disease. Therefore, it has been classified as a Variant of Uncertain Significance.